The following is an entry in ClinVar:

ClinVar aggregate classification (germline): Conflicting classifications of pathogenicity. Review status: criteria provided, conflicting classifications (1 of 4 stars). 4 submissions from 4 submitters: Pathogenic (2); Uncertain significance (2). Last evaluated 2025-03-17.

Conditions:
Hereditary spastic paraplegia 8 (SPG8). Also called: SPASTIC PARAPLEGIA 8, AUTOSOMAL DOMINANT. Identifiers: Orphanet 100989, MedGen C1863704, MONDO:0011339, OMIM 603563.
Ritscher-Schinzel syndrome. Also called: CRANIOCEREBELLOCARDIAC DYSPLASIA. Identifiers: Orphanet 7, MedGen C0796137, MONDO:0019078.
Ritscher-Schinzel syndrome 1 (RTSC1). Identifiers: Orphanet 7, MedGen C4551776, MONDO:0009073, OMIM 220210.

Allele frequency attached by ClinVar (database versions not stated): gnomAD exomes below 0.00001 and 0.00002; ExAC 0.00001; gnomAD 0.00001; TOPMed 0.00001.
gnomAD v4.1: 12 of 1,613,962 alleles (0.00074%); highest among the groups gnomAD compares: African/African-American, 0.0013%; no homozygotes.

Submissions (4):

3billion
Classification: Pathogenic for Ritscher-Schinzel syndrome 1. Last evaluated: 2025-03-17. Review status: criteria provided, single submitter. Criteria: ACMG Guidelines, 2015. Collection method: clinical testing. Allele origin: germline. Affected: yes.

Labcorp Genetics (formerly Invitae), Labcorp
Classification: Pathogenic for Ritscher-Schinzel syndrome; Hereditary spastic paraplegia 8. Last evaluated: 2024-10-10. Review status: criteria provided, single submitter. Criteria: Invitae Variant Classification Sherloc (09022015). Collection method: clinical testing. Allele origin: germline.
Comment: This sequence change creates a premature translational stop signal (p.Arg670*) in the WASHC5 gene. It is expected to result in an absent or disrupted protein product. Loss-of-function variants in WASHC5 are known to be pathogenic (PMID: 24065355). This variant is present in population databases (rs762401591, gnomAD 0.002%). This variant has not been reported in the literature in individuals affected with WASHC5-related conditions. ClinVar contains an entry for this variant (Variation ID: 1063307). For these reasons, this variant has been classified as Pathogenic.

GeneDx
Classification: Uncertain significance. Last evaluated: 2023-06-14. Review status: criteria provided, single submitter. Criteria: GeneDx Variant Classification Process June 2021. Collection method: clinical testing. Allele origin: germline. Affected: yes.
Comment: Not observed at significant frequency in large population cohorts (gnomAD); Nonsense variant predicted to result in protein truncation or nonsense mediated decay in a gene or region of a gene for which loss of function is not a well-established mechanism of disease; Has not been previously published as pathogenic or benign to our knowledge

Blueprint Genetics
Classification: Uncertain significance. Last evaluated: 2022-11-30. Review status: criteria provided, single submitter. Criteria: ACMG Guidelines, 2015. Collection method: clinical testing. Allele origin: germline.

Literature cited by the submitters: PubMed 24065355 (cited by Labcorp Genetics (formerly Invitae), Labcorp).

NM_014846.4(WASHC5):c.2008C>T (p.Arg670Ter)

Gene: WASHC5 (WASH complex subunit 5; minus strand). Cytogenetic location: 8q24.13.
Variant type: single nucleotide variant.
Coding change: c.2008C>T on transcript NM_014846.4 (MANE Select); coding-DNA position 2008, C replaced by T.
Protein change: p.Arg670Ter; replaces arginine 670 with a stop codon.
Molecular consequence: nonsense.
Genome position (GRCh38, 1-based): chr8:125,056,685, G>A on the plus strand (C>T on the coding strand, the complement: WASHC5 is on the minus strand). VCF-style: chr8-125056685-G-A. GRCh37 (hg19) VCF-style: chr8-126068927-G-A.
Other names: c.1564C>T, p.Arg522Ter (NM_001330609.2); c.2008C>T (NM_014846.3); short protein forms R522*, R670*.
Identifiers: ClinVar variation 1063307 (VCV001063307.10), dbSNP rs762401591, ClinGen allele CA4873663.